The following is an entry in ClinVar:

ClinVar aggregate classification (germline): Uncertain significance (1 of 4 stars; one submission).

gnomAD v4.1: 17 of 1,614,096 alleles (0.0011%); highest among the groups gnomAD compares: Non-Finnish European, 0.0014%; no homozygotes.

Submission:

Labcorp Genetics (formerly Invitae), Labcorp
Classification: Uncertain significance. Last evaluated: 2023-02-09. Review status: criteria provided, single submitter. Criteria: Invitae Variant Classification Sherloc (09022015). Collection method: clinical testing. Allele origin: germline.
Comment: In summary, the available evidence is currently insufficient to determine the role of this variant in disease. Therefore, it has been classified as a Variant of Uncertain Significance. Algorithms developed to predict the effect of missense changes on protein structure and function output the following: SIFT: "Tolerated"; PolyPhen-2: "Benign"; Align-GVGD: "Class C0". The isoleucine amino acid residue is found in multiple mammalian species, which suggests that this missense change does not adversely affect protein function. This variant has not been reported in the literature in individuals affected with ERBIN-related conditions. This variant is present in population databases (no rsID available, gnomAD 0.0009%). This sequence change replaces valine, which is neutral and non-polar, with isoleucine, which is neutral and non-polar, at codon 845 of the ERBIN protein (p.Val845Ile).

NM_001253697.2(ERBIN):c.2533G>A (p.Val845Ile)

Gene: ERBIN (erbb2 interacting protein; plus strand). Cytogenetic location: 5q12.3.
Variant type: single nucleotide variant.
Coding change: c.2533G>A on transcript NM_001253697.2 (MANE Select); coding-DNA position 2533, G replaced by A.
Protein change: p.Val845Ile; replaces valine 845 with isoleucine.
Molecular consequence: missense variant.
Genome position (GRCh38, 1-based): chr5:66,053,851, G>A. VCF-style: chr5-66053851-G-A. GRCh37 (hg19) VCF-style: chr5-65349679-G-A.
Other names: c.2533G>A, p.Val845Ile (NM_001006600.3, NM_001253698.2, NM_001253699.2 and 1 more transcripts); c.2521G>A, p.Val841Ile (NM_001253701.2); short protein forms V845I, V841I.
Identifiers: ClinVar variation 2803012 (VCV002803012.3), dbSNP rs971082479, ClinGen allele CA119867761.